The following is an entry in ClinVar:

NM_133433.4(NIPBL):c.7168G>T (p.Ala2390Ser)

Gene: NIPBL (NIPBL cohesin loading factor; plus strand). Cytogenetic location: 5p13.2.
Variant type: single nucleotide variant.
Coding change: c.7168G>T on transcript NM_133433.4 (MANE Select); coding-DNA position 7168, G replaced by T.
Protein change: p.Ala2390Ser; replaces alanine 2390 with serine.
Molecular consequence: missense variant.
Genome position (GRCh38, 1-based): chr5:37,052,471, G>T. VCF-style: chr5-37052471-G-T. GRCh37 (hg19) VCF-style: chr5-37052573-G-T.
Other names: c.7168G>T, p.Ala2390Ser (NM_015384.5); short protein forms A2390S.
Identifiers: ClinVar variation 2498971 (VCV002498971.28), dbSNP rs587784036, ClinGen allele CA359511555.

ClinVar aggregate classification (germline): Uncertain significance (1 of 4 stars; one submission).

Submission:

CeGaT Center for Human Genetics Tuebingen
Classification: Uncertain significance. Last evaluated: 2023-02-01. Review status: criteria provided, single submitter. Criteria: CeGaT Center For Human Genetics Tuebingen Variant Classification Criteria Version 2. Collection method: clinical testing. Allele origin: germline. Affected: yes. Observed: 1 variant allele.
Comment: NIPBL: PM2, PM5